The following is an entry in ClinVar:

NM_001903.5(CTNNA1):c.240G>A (p.Ala80=)

Gene: CTNNA1 (catenin alpha 1; plus strand). Cytogenetic location: 5q31.2.
Variant type: single nucleotide variant.
Coding change: c.240G>A on transcript NM_001903.5 (MANE Select); coding-DNA position 240, G replaced by A.
Protein change: p.Ala80=; no amino-acid change (alanine 80 retained).
Molecular consequence: synonymous variant. On other transcripts: intron variant (2).
Genome position (GRCh38, 1-based): chr5:138,783,311, G>A. VCF-style: chr5-138783311-G-A. GRCh37 (hg19) VCF-style: chr5-138119000-G-A.
Other names: c.240G>A, p.Ala80= (NM_001290307.3, NM_001323982.2, NM_001323983.1 and 3 more transcripts); c.-6+39G>A (NM_001290310.3); c.-9+1282G>A (NM_001290309.3); c.240G>A (NM_001903.4).
Identifiers: ClinVar variation 699333 (VCV000699333.17), dbSNP rs1059014, ClinGen allele CA3431383.
Genomic context (GRCh38, chr5:138,783,311, plus strand): 5'-TTTGGCTGCATCTGTTGAACAAGCAACTGAGAATTTCTTGGAGAAGGGGGATAAAATTGC[G>A]AAGGAGAGCCAGTTTCTCAAGGAGGAGCTTGTGGCTGCTGTAGAAGATGTTCGAAAACAA-3'
Protein context (NP_001894.2, residues 70-90): ENFLEKGDKI[Ala80=]KESQFLKEEL

ClinVar aggregate classification (germline): Benign/Likely benign. Review status: criteria provided, multiple submitters, no conflicts (2 of 4 stars). 5 submissions from 5 submitters: Benign (1); Likely benign (3). 1 of the submissions does not count toward it. Last evaluated 2026-02-03.

Conditions:
CTNNA1-related disorder. Also called: CTNNA1-related condition.
Hereditary diffuse gastric adenocarcinoma (HDGC). Also called: DIFFUSE GASTRIC AND LOBULAR BREAST CANCER SYNDROME. Identifiers: Orphanet 26106, MedGen C1708349, MONDO:0007648, OMIM 137215.
Hereditary cancer-predisposing syndrome. Also called: Neoplastic Syndromes, Hereditary; Hereditary neoplastic syndrome; Hereditary Cancer Syndrome; Tumor predisposition. Identifiers: Orphanet 140162, MedGen C0027672, MeSH D009386, MONDO:0015356.

Allele frequency attached by ClinVar (database versions not stated): ExAC 0.00007; ESP Exome Variant Server 0.00008; gnomAD exomes 0.00008; gnomAD 0.00016 and 0.00018; TOPMed 0.00020.
gnomAD v4.1: 75 of 1,613,984 alleles (0.0046%); highest among the groups gnomAD compares: African/African-American, 0.06%; no homozygotes.

Submissions (5):

Labcorp Genetics (formerly Invitae), Labcorp
Classification: Likely benign. Last evaluated: 2026-02-03. Review status: criteria provided, single submitter. Criteria: Invitae Variant Classification Sherloc (09022015). Collection method: clinical testing. Allele origin: germline.

Myriad Genetics, Inc.
Classification: Benign for Hereditary diffuse gastric adenocarcinoma. Last evaluated: 2024-10-09. Review status: criteria provided, single submitter. Criteria: Myriad Autosomal Dominant, Autosomal Recessive and X-Linked Classification Criteria (2023). Collection method: clinical testing. Allele origin: unknown.
Comment: This variant is considered benign. This variant is a silent/synonymous amino acid change and it is not expected to impact splicing.

Blueprint Genetics
Classification: Likely benign. Last evaluated: 2023-01-03. Review status: criteria provided, single submitter. Criteria: ACMG Guidelines, 2015. Collection method: clinical testing. Allele origin: germline.

Ambry Genetics
Classification: Likely benign for Hereditary cancer-predisposing syndrome. Last evaluated: 2020-02-18. Review status: criteria provided, single submitter. Criteria: Ambry Variant Classification Scheme 2023. Collection method: clinical testing. Allele origin: germline.

PreventionGenetics, part of Exact Sciences
Classification: Likely benign for CTNNA1-related condition. Last evaluated: 2022-12-22. Review status: no assertion criteria provided. Collection method: clinical testing. Allele origin: germline. Not counted in ClinVar's aggregate classification.
Comment: This variant is classified as likely benign based on ACMG/AMP sequence variant interpretation guidelines (Richards et al. 2015 PMID: 25741868, with internal and published modifications).